The following is an entry in ClinVar:

ClinVar aggregate classification (germline): Uncertain significance (1 of 4 stars; one submission).

Conditions:
Hypertrophic cardiomyopathy. Also called: HYPERTROPHIC MYOCARDIOPATHY. Identifiers: Orphanet 217569, MedGen C0007194, MeSH D002312, MONDO:0005045, HP:0001639.

gnomAD v4.1: 1 of 1,613,794 alleles (0.000062%); highest among the groups gnomAD compares: Non-Finnish European, 0.000085%; no homozygotes.

Submission:

Labcorp Genetics (formerly Invitae), Labcorp
Classification: Uncertain significance for Hypertrophic cardiomyopathy. Last evaluated: 2025-10-17. Review status: criteria provided, single submitter. Criteria: Invitae Variant Classification Sherloc (09022015). Collection method: clinical testing. Allele origin: germline.
Comment: This sequence change replaces lysine, which is basic and polar, with arginine, which is basic and polar, at codon 693 of the MYOM1 protein (p.Lys693Arg). This variant is not present in population databases (gnomAD no frequency). This variant has not been reported in the literature in individuals affected with MYOM1-related conditions. Invitae Evidence Modeling of protein sequence and biophysical properties (such as structural, functional, and spatial information, amino acid conservation, physicochemical variation, residue mobility, and thermodynamic stability) indicates that this missense variant is not expected to disrupt MYOM1 protein function with a negative predictive value of 80%. In summary, the available evidence is currently insufficient to determine the role of this variant in disease. Therefore, it has been classified as a Variant of Uncertain Significance.

NM_003803.4(MYOM1):c.2078A>G (p.Lys693Arg)

Gene: MYOM1 (myomesin 1; minus strand). Cytogenetic location: 18p11.31.
Variant type: single nucleotide variant.
Coding change: c.2078A>G on transcript NM_003803.4 (MANE Select); coding-DNA position 2078, A replaced by G.
Protein change: p.Lys693Arg; replaces lysine 693 with arginine.
Molecular consequence: missense variant.
Genome position (GRCh38, 1-based): chr18:3,135,678, T>C on the plus strand (A>G on the coding strand, the complement: MYOM1 is on the minus strand). VCF-style: chr18-3135678-T-C. GRCh37 (hg19) VCF-style: chr18-3135676-T-C.
Other names: c.2078A>G, p.Lys693Arg (NM_019856.2); short protein forms K693R.
Identifiers: ClinVar variation 4806827 (VCV004806827.1).